The following is an entry in ClinVar:

ClinVar aggregate classification (germline): Uncertain significance (1 of 4 stars; one submission).

Conditions:
CHARGE syndrome (CHARGE). Also called: Hittner Hirsch Kreh syndrome; CHARGE ASSOCIATION--COLOBOMA, HEART ANOMALY, CHOANAL ATRESIA, RETARDATION, GENITAL AND EAR ANOMALIES; Coloboma, heart anomaly, choanal atresia, retardation, genital and ear anomalies; CHARGE association; Hall-Hittner syndrome. Identifiers: Orphanet 138, MedGen C0265354, MONDO:0008965.

Submission:

Labcorp Genetics (formerly Invitae), Labcorp
Classification: Uncertain significance for CHARGE syndrome. Last evaluated: 2022-04-06. Review status: criteria provided, single submitter. Criteria: Invitae Variant Classification Sherloc (09022015). Collection method: clinical testing. Allele origin: germline.
Comment: This sequence change falls in intron 15 of the CHD7 gene. It does not directly change the encoded amino acid sequence of the CHD7 protein. It affects a nucleotide within the consensus splice site. This variant is not present in population databases (gnomAD no frequency). This variant has not been reported in the literature in individuals affected with CHD7-related conditions. Variants that disrupt the consensus splice site are a relatively common cause of aberrant splicing (PMID: 17576681, 9536098). Algorithms developed to predict the effect of sequence changes on RNA splicing suggest that this variant is not likely to affect RNA splicing. In summary, the available evidence is currently insufficient to determine the role of this variant in disease. Therefore, it has been classified as a Variant of Uncertain Significance.

Literature cited by the submitters: PubMed 17576681; PubMed 9536098.

NM_017780.4(CHD7):c.3778+6G>A

Gene: CHD7 (chromodomain helicase DNA binding protein 7; plus strand). Cytogenetic location: 8q12.2.
Variant type: single nucleotide variant.
Coding change: c.3778+6G>A on transcript NM_017780.4 (MANE Select); 6 bases into the intron after coding-DNA position 3778, G replaced by A.
Molecular consequence: intron variant.
Genome position (GRCh38, 1-based): chr8:60,830,583, G>A. VCF-style: chr8-60830583-G-A. GRCh37 (hg19) VCF-style: chr8-61743142-G-A.
Other names: c.1717-31646G>A (NM_001316690.1).
Identifiers: ClinVar variation 2122051 (VCV002122051.4), dbSNP rs2487855375, ClinGen allele CA2580078440.
Genomic context (GRCh38, chr8:60,830,583, plus strand): 5'-TTAAACACTATGATGGAATTGCGGAAGTGCTGCAATCATCCGTACCTTATCAATGGTAAG[G>A]CTGCCCTGCTCGCGAACTTGCTTAAGTGACGATTGAAGCACCAGAAATCCCTTTCTGCCC-3'